The following is an entry in ClinVar:

ClinVar aggregate classification (germline): Uncertain significance. Review status: criteria provided, multiple submitters, no conflicts (2 of 4 stars). 2 submissions from 2 submitters: Uncertain significance (2). Last evaluated 2023-08-01.

Conditions:
Hereditary cancer-predisposing syndrome. Also called: Hereditary neoplastic syndrome; Tumor predisposition; Neoplastic Syndromes, Hereditary; Hereditary Cancer Syndrome. Identifiers: Orphanet 140162, MedGen C0027672, MeSH D009386, MONDO:0015356.

Allele frequency attached by ClinVar (database versions not stated): gnomAD exomes below 0.00001.
gnomAD v4.1: 2 of 1,614,056 alleles (0.00012%); highest among the groups gnomAD compares: Non-Finnish European, 0.00017%; no homozygotes.

Submissions (2):

Ambry Genetics
Classification: Uncertain significance for Hereditary cancer-predisposing syndrome. Last evaluated: 2023-08-01. Review status: criteria provided, single submitter. Criteria: Ambry Variant Classification Scheme 2023. Collection method: clinical testing. Allele origin: germline.
Comment: The p.S1920P variant (also known as c.5758T>C), located in coding exon 42 of the POLE gene, results from a T to C substitution at nucleotide position 5758. The serine at codon 1920 is replaced by proline, an amino acid with similar properties. This amino acid position is conserved. In addition, this alteration is predicted to be tolerated by in silico analysis. Since supporting evidence is limited at this time, the clinical significance of this alteration remains unclear.

Labcorp Genetics (formerly Invitae), Labcorp
Classification: Uncertain significance. Last evaluated: 2023-06-24. Review status: criteria provided, single submitter. Criteria: Invitae Variant Classification Sherloc (09022015). Collection method: clinical testing. Allele origin: germline.
Comment: This sequence change replaces serine, which is neutral and polar, with proline, which is neutral and non-polar, at codon 1920 of the POLE protein (p.Ser1920Pro). This variant is not present in population databases (gnomAD no frequency). This variant has not been reported in the literature in individuals affected with POLE-related conditions. ClinVar contains an entry for this variant (Variation ID: 571781). Advanced modeling of protein sequence and biophysical properties (such as structural, functional, and spatial information, amino acid conservation, physicochemical variation, residue mobility, and thermodynamic stability) performed at Invitae indicates that this missense variant is not expected to disrupt POLE protein function. In summary, the available evidence is currently insufficient to determine the role of this variant in disease. Therefore, it has been classified as a Variant of Uncertain Significance.

NM_006231.4(POLE):c.5758T>C (p.Ser1920Pro)

Gene: POLE (DNA polymerase epsilon, catalytic subunit; minus strand). Cytogenetic location: 12q24.33.
Variant type: single nucleotide variant.
Coding change: c.5758T>C on transcript NM_006231.4 (MANE Select); coding-DNA position 5758, T replaced by C.
Protein change: p.Ser1920Pro; replaces serine 1920 with proline.
Molecular consequence: missense variant.
Genome position (GRCh38, 1-based): chr12:132,635,945, A>G on the plus strand (T>C on the coding strand, the complement: POLE is on the minus strand). VCF-style: chr12-132635945-A-G. GRCh37 (hg19) VCF-style: chr12-133212531-A-G.
Other names: c.5758T>C (NM_006231.2); short protein forms S1920P.
Identifiers: ClinVar variation 571781 (VCV000571781.11), dbSNP rs1565930031, ClinGen allele CA387372960.
Genomic context (GRCh38, chr12:132,635,945, plus strand): 5'-CGCTTACCAGTCCACAGTGAATACGAGATGAAACTTTTCCTTTGATTCCGCCATAGTTAG[A>G]TGGATCCATCCAGAGAAGAAATTCCCAGCATCGAGAGAAAGAAATTGTCAGAGAATGGAA-3'
Protein context (NP_006222.2, residues 1910-1930): CWEFLLWMDP[Ser1920Pro]NYGGIKGKVS